The following is an entry in ClinVar:

ClinVar aggregate classification (germline): Uncertain significance (1 of 4 stars; one submission).

Conditions:
Fanconi anemia (FA). Also called: Fanconi's anemia. Identifiers: Orphanet 84, MedGen C0015625, MeSH D005199, MONDO:0019391.

Allele frequency attached by ClinVar (database versions not stated): gnomAD exomes below 0.00001 and 0.00001.
gnomAD v4.1: 4 of 1,600,214 alleles (0.00025%); highest among the groups gnomAD compares: Admixed American, 0.0017%; no homozygotes.

Submission:

Labcorp Genetics (formerly Invitae), Labcorp
Classification: Uncertain significance for Fanconi anemia. Last evaluated: 2021-08-06. Review status: criteria provided, single submitter. Criteria: Invitae Variant Classification Sherloc (09022015). Collection method: clinical testing. Allele origin: germline.
Comment: This sequence change replaces isoleucine with valine at codon 319 of the FANCI protein (p.Ile319Val). The isoleucine residue is highly conserved and there is a small physicochemical difference between isoleucine and valine. This variant is not present in population databases (ExAC no frequency). This variant has not been reported in the literature in individuals affected with FANCI-related conditions. Algorithms developed to predict the effect of missense changes on protein structure and function output the following: SIFT: "Tolerated"; PolyPhen-2: "Benign"; Align-GVGD: "Class C0". The valine amino acid residue is found in multiple mammalian species, which suggests that this missense change does not adversely affect protein function. In summary, the available evidence is currently insufficient to determine the role of this variant in disease. Therefore, it has been classified as a Variant of Uncertain Significance.

NM_001113378.2(FANCI):c.955A>G (p.Ile319Val)

Gene: FANCI (FA complementation group I; plus strand). Cytogenetic location: 15q26.1.
Variant type: single nucleotide variant.
Coding change: c.955A>G on transcript NM_001113378.2 (MANE Select); coding-DNA position 955, A replaced by G.
Protein change: p.Ile319Val; replaces isoleucine 319 with valine.
Molecular consequence: missense variant.
Genome position (GRCh38, 1-based): chr15:89,273,449, A>G. VCF-style: chr15-89273449-A-G. GRCh37 (hg19) VCF-style: chr15-89816680-A-G.
Other names: c.676A>G, p.Ile226Val (NM_001376910.1); c.955A>G, p.Ile319Val (NM_001376911.1, NM_018193.3); short protein forms I226V, I319V.
Identifiers: ClinVar variation 1439025 (VCV001439025.6), dbSNP rs1451676691, ClinGen allele CA393741431.